The following is an entry in ClinVar:

NM_007294.4(BRCA1):c.230C>T (p.Thr77Met)

Gene: BRCA1 (BRCA1 DNA repair associated; minus strand). Cytogenetic location: 17q21.31.
Variant type: single nucleotide variant.
Coding change: c.230C>T on transcript NM_007294.4 (MANE Select); coding-DNA position 230, C replaced by T.
Protein change: p.Thr77Met; replaces threonine 77 with methionine.
Molecular consequence: missense variant. On other transcripts: non-coding transcript variant (1).
Genome position (GRCh38, 1-based): chr17:43,104,939, G>A on the plus strand (C>T on the coding strand, the complement: BRCA1 is on the minus strand). VCF-style: chr17-43104939-G-A. GRCh37 (hg19) VCF-style: chr17-41256956-G-A.
Other names: 349C>T; c.152C>T, p.Thr51Met (NM_001407657.1, NM_001407658.1, NM_001407659.1 and 21 more transcripts); c.230C>T, p.Thr77Met (NM_001407664.1, NM_001407665.1, NM_001407666.1 and 168 more transcripts); c.89C>T, p.Thr30Met (NM_001407692.1, NM_001407694.1, NM_001407695.1 and 99 more transcripts); c.20C>T, p.Thr7Met (NM_001407853.1, NM_001407879.1, NM_001407881.1 and 58 more transcripts); c.-152C>T (NM_001407959.1, NM_001407960.1, NM_001407962.1 and 4 more transcripts); c.98C>T, p.Thr33Met (NM_001408451.1); short protein forms T77M, T30M, T7M, T33M, T51M.
Identifiers: ClinVar variation 54529 (VCV000054529.42), dbSNP rs80357209, ClinGen allele CA001539.
Genomic context (GRCh38, chr17:43,104,939, plus strand): 5'-GTGTCAAGCTGAAAAGCACAAATGATTTTCAATAGCTCTTCAACAAGTTGACTAAATCTC[G>A]TACTTTCTTGTAGGCTCCTGAAATTAAATTGTTTGAGAAACACACTCAGCAAGTGATTAT-3'
Protein context (NP_009225.1, residues 67-87): DITKRSLQES[Thr77Met]RFSQLVEELL

ClinVar aggregate classification (germline): Conflicting classifications of pathogenicity. Review status: criteria provided, conflicting classifications (1 of 4 stars). 15 submissions from 15 submitters: Uncertain significance (8); Benign (1); Likely benign (3). 3 of the submissions do not count toward it. Last evaluated 2026-01-21.

Conditions:
Breast and/or ovarian cancer. Identifiers: MedGen CN221562.
Hereditary cancer-predisposing syndrome. Also called: Tumor predisposition; Neoplastic Syndromes, Hereditary; Hereditary Cancer Syndrome; Hereditary neoplastic syndrome. Identifiers: Orphanet 140162, MedGen C0027672, MeSH D009386, MONDO:0015356.
Hereditary breast ovarian cancer syndrome. Also called: Hereditary breast and ovarian cancer syndrome (HBOC); Hereditary breast and ovarian cancer syndrome; Hereditary breast and ovarian cancer; Hereditary breast and/or ovarian cancer syndrome; Breast and ovarian cancer; BRCA1- and BRCA2-Associated Hereditary Breast and Ovarian Cancer. Identifiers: Orphanet 145, MedGen C0677776, MeSH D061325, MONDO:0003582. Disease mechanism: loss of function.
Breast-ovarian cancer, familial, susceptibility to, 1 (BROVCA1). Also called: OVARIAN CANCER, SUSCEPTIBILITY TO; BRCA1 Hereditary Breast and Ovarian Cancer. Identifiers: Orphanet 145, MedGen C2676676, MONDO:0011450, OMIM 604370. Disease mechanism: loss of function.

Allele frequency attached by ClinVar (database versions not stated): gnomAD 0.00001; ExAC 0.00002; gnomAD exomes 0.00002; TOPMed 0.00002.
gnomAD v4.1: 11 of 1,613,388 alleles (0.00068%); highest among the groups gnomAD compares: African/African-American, 0.004%; no homozygotes.

Submissions 1 to 7 of 16:

Labcorp Genetics (formerly Invitae), Labcorp
Classification: Benign for Hereditary breast ovarian cancer syndrome. Last evaluated: 2026-01-21. Review status: criteria provided, single submitter. Criteria: Invitae Variant Classification Sherloc (09022015). Collection method: clinical testing. Allele origin: germline.

Color Diagnostics, LLC DBA Color Health
Classification: Uncertain significance for Hereditary cancer-predisposing syndrome. Last evaluated: 2025-10-03. Review status: criteria provided, single submitter. Criteria: ACMG Guidelines, 2015. Collection method: clinical testing. Allele origin: germline.
Comment: This missense variant replaces threonine with methionine at codon 77 of the BRCA1 protein. Computational prediction is inconclusive regarding the impact of this variant on protein structure and function. Functional studies have reported that this variant does not impact BRCA1 function in a homology-directed repair and a haploid cell proliferation assay (PMID: 30209399, 30219179), and functional studies on ubiquitin-related activities also have reported partial to no impact (PMID: 16403807, 30696104). This variant has been detected in a breast cancer case-control meta-analysis in 1/60466 cases and 0/53461 unaffected individuals (PMID: 33471991Leiden Open Variation Database DB-ID BRCA1_000065). This variant also has been reported in prostate cancer case-control study in 1/7636 prostate cancer cases and 0/12366 unaffected individuals (PMID: 31214711). Multifactorial analysis on clinical data has reached a combined likelihood ratio (LR) of 16.132 from published LR for 2 carriers (PMID: 31131967, 31853058). This variant has been identified in 4/251146 chromosomes in the general population by the Genome Aggregation Database (gnomAD). The available evidence is insufficient to determine the role of this variant in disease conclusively. Therefore, this variant is classified as a Variant of Uncertain Significance.

Quest Diagnostics Nichols Institute San Juan Capistrano
Classification: Uncertain significance. Last evaluated: 2025-06-19. Review status: criteria provided, single submitter. Criteria: Quest Diagnostics criteria. Collection method: clinical testing. Allele origin: unknown.
Comment: The BRCA1 c.230C>T (p.Thr77Met) variant has been reported in the published literature in individuals with breast cancer (PMID: 22034289 (2012), 16267036 (2005), 33471991 (2021), see also LOVD), an individual with biliary tract cancer (PMID: 36243179 (2022)), and a reportedly unaffected individual (PMID: 32467295 (2020)). Functional studies demonstrated that this variant has an inconclusive effect on protein function (PMID: 35659930 (2022), 30696104 (2019), 30209399 (2018), 26761715 (2016), 25823446 (2015), 21309043 (2011), 20016594 (2009), 16403807(2006)). The frequency of this variant in the general population (Genome Aggregation Database) is uninformative in the assessment of its pathogenicity. Analysis of this variant using bioinformatics tools for the prediction of the effect of amino acid changes on protein structure and function yielded predictions that this variant is damaging. Based on the available information, we are unable to determine the clinical significance of this variant.

Center for Genomic Medicine, Rigshospitalet, Copenhagen University Hospital
Classification: Uncertain significance. Last evaluated: 2025-03-04. Review status: criteria provided, single submitter. Criteria: ACMG Guidelines, 2015. Collection method: clinical testing. Allele origin: germline.

Women's Health and Genetics/Laboratory Corporation of America, LabCorp
Classification: Likely benign. Last evaluated: 2024-07-22. Review status: criteria provided, single submitter. Criteria: LabCorp Variant Classification Summary - May 2015. Collection method: clinical testing. Allele origin: germline.
Comment: Variant summary: BRCA1 c.230C>T (p.Thr77Met) results in a non-conservative amino acid change in the encoded protein sequence. Five of five in-silico tools predict a damaging effect of the variant on protein function. The variant allele was found at a frequency of 1.6e-05 in 251146 control chromosomes. The available data on variant occurrences in the general population are insufficient to allow any conclusion about variant significance. c.230C>T has been reported in the literature in individuals affected with Hereditary Breast And Ovarian Cancer without strong evidence for pathogenicity (example: Fackenthal_2012; Judkins_2005). These report(s) do not provide unequivocal conclusions about association of the variant with Hereditary Breast And Ovarian Cancer Syndrome. Co-occurrences with other pathogenic variant(s) have been reported (BRCA1 c.4484G>T , p.Arg1495Met), providing supporting evidence for a benign role (BIC database). Multiple functional studies (including HDR assay assessement) have reported this variant as functional (example: Findlay_2018 and Clark_2022). HDR assays qualify as a recognized gold standard on the basis of updated guidance provided by the ClinGen Sequence Variant Interpretation (SVI) working group. These results showed no damaging effect of this variant. The following publications have been ascertained in the context of this evaluation (PMID: 16267036, 15385441, 22034289, 24489791, 16403807, 21309043, 26761715, 20016594, 30209399, 30696104, 35659930). ClinVar contains an entry for this variant (Variation ID: 54529). Based on the evidence outlined above, the variant was classified as likely benign.

Lupski Lab, Baylor-Hopkins CMG, Baylor College of Medicine
Classification: Likely benign for Breast-ovarian cancer, familial, susceptibility to, 1. Last evaluated: 2024-04-12. Review status: criteria provided, single submitter. Criteria: Dawood et al. (medRxiv. 2024). Collection method: curation. Allele origin: germline.
Comment: Each variant was annotated with functional scores from MAVE data which was translated into functional evidence codes. All other evidence codes and combining criteria were adhered to as closely as possible based on the ClinGen VCEP (Variant Curation Expert Panel) gene-specific recommendations. See Supplemental Figure 34 of final paper (Supp Fig. 28 in preprint: doi:10.1101/2024.04.11.24305690) for a table to see which lines of evidence we did not have data for. The ClinGen VCEPs are highly regarded as the gold-standard for gene-specific variant curation and are developed after extensive evaluation of the evidence by clinical and scientific experts for the particular gene to classify genomic variants on a spectrum from pathogenic to benign using the 2015 ACMG/AMP Variant Interpretation Guidelines as a backbone (PMID: 25741868). Reclassification of these VUS variants from gnomAD or All of Us focused only on variants originally prescribed as VUS in ClinVar. To ensure reproducibility, transparency, and increased throughput, all the procedures for annotating variants and assigning evidence codes were codified using Python. All code has been made freely available and is linked in the Code Availability section and all reclassified variants with evidence codes used can be found in Tables S18-19 (preprint: doi:10.1101/2024.04.11.24305690). For the MAVE data, the clinical curation and clinical strength assignment as per the ClinGen recommendations in Brnich et al. (2020) (PMID: 31892348) for or against pathogenicity or benignity of each of these MAVE datasets utilized in this study were previously published in Fayer et al. (2021) (PMID: 34793697).In brief, for BRCA1 variants, if a variant was categorized as FUNC (functional), it was assigned BS3 evidence and no PS3 evidence, whereas if it was categorized as LOF (loss of function), the variant was assigned PS3 evidence and no BS3 evidence. Variants categorized as INT (intermediate) were left unannotated. For the BRCA1 combining criteria, greater than or equal to 1 criteria of strong benign evidence was enough to reclassify the VUS as Likely Benign. This variant GRCh38:17:43104939:G>A was assigned evidence codes ['BS3'] and an overall classification of Likely benign

Baylor Genetics
Classification: Uncertain significance for Breast-ovarian cancer, familial, susceptibility to, 1. Last evaluated: 2023-10-13. Review status: criteria provided, single submitter. Criteria: ACMG Guidelines, 2015. Collection method: clinical testing. Allele origin: unknown.